The following is an entry in ClinVar:

ClinVar aggregate classification (germline): Uncertain significance (1 of 4 stars; one submission).

Conditions:
Fanconi anemia (FA). Also called: Fanconi's anemia. Identifiers: Orphanet 84, MedGen C0015625, MeSH D005199, MONDO:0019391.

Submission:

Labcorp Genetics (formerly Invitae), Labcorp
Classification: Uncertain significance for Fanconi anemia. Last evaluated: 2025-05-13. Review status: criteria provided, single submitter. Criteria: Invitae Variant Classification Sherloc (09022015). Collection method: clinical testing. Allele origin: germline.
Comment: This sequence change falls in intron 18 of the FANCM gene. It does not directly change the encoded amino acid sequence of the FANCM protein. It affects a nucleotide within the consensus splice site. This variant is not present in population databases (gnomAD no frequency). This variant has not been reported in the literature in individuals affected with FANCM-related conditions. Variants that disrupt the consensus splice site are a relatively common cause of aberrant splicing (PMID: 17576681, 9536098). Algorithms developed to predict the effect of sequence changes on RNA splicing suggest that this variant is not likely to affect RNA splicing. In summary, the available evidence is currently insufficient to determine the role of this variant in disease. Therefore, it has been classified as a Variant of Uncertain Significance.

Literature cited by the submitters: PubMed 17576681; PubMed 9536098.

NM_020937.4(FANCM):c.4672+6T>C

Gene: FANCM (FA complementation group M; plus strand). Cytogenetic location: 14q21.2.
Variant type: single nucleotide variant.
Coding change: c.4672+6T>C on transcript NM_020937.4 (MANE Select); 6 bases into the intron after coding-DNA position 4672, T replaced by C.
Molecular consequence: intron variant.
Genome position (GRCh38, 1-based): chr14:45,185,379, T>C. VCF-style: chr14-45185379-T-C. GRCh37 (hg19) VCF-style: chr14-45654582-T-C.
Other names: c.4594+6T>C (NM_001308133.2).
Identifiers: ClinVar variation 4700430 (VCV004700430.1).